The following is an entry in ClinVar:

ClinVar aggregate classification (germline): Benign/Likely benign. Review status: criteria provided, multiple submitters, no conflicts (2 of 4 stars). 5 submissions from 5 submitters: Benign (2); Likely benign (3). Last evaluated 2026-02-03.

Conditions:
Age related macular degeneration 1 (ARMD1). Also called: MACULOPATHY, AGE-RELATED, 1. Identifiers: MedGen C1864205, MONDO:0011285, OMIM 603075.

Allele frequency attached by ClinVar (database versions not stated): TOPMed 0.00757; gnomAD 0.00466 and 0.00444; 1000 Genomes Project 30x 0.00921; ESP Exome Variant Server 0.00115; gnomAD exomes 0.00225 and 0.00956; ExAC 0.00702; 1000 Genomes Project 0.00879.
gnomAD v4.1: 3,988 of 1,613,488 alleles (0.25%); highest among the groups gnomAD compares: Admixed American, 5.8%; 149 homozygotes.

Submissions (5):

Labcorp Genetics (formerly Invitae), Labcorp
Classification: Benign. Last evaluated: 2026-02-03. Review status: criteria provided, single submitter. Criteria: Invitae Variant Classification Sherloc (09022015). Collection method: clinical testing. Allele origin: germline.

Genome-Nilou Lab
Classification: Benign for Age related macular degeneration 1. Last evaluated: 2023-04-11. Review status: criteria provided, single submitter. Criteria: ACMG Guidelines, 2015. Collection method: clinical testing. Allele origin: germline. Affected: no.

Fulgent Genetics
Classification: Likely benign for Age related macular degeneration 1. Last evaluated: 2021-12-09. Review status: criteria provided, single submitter. Criteria: ACMG Guidelines, 2015. Collection method: clinical testing. Allele origin: unknown.

Illumina Laboratory Services, Illumina
Classification: Likely benign for Age related macular degeneration 1. Last evaluated: 2017-04-27. Review status: criteria provided, single submitter. Criteria: ICSL Variant Classification Criteria 13 December 2019. Collection method: clinical testing. Allele origin: germline.
Comment: This variant was observed as part of a predisposition screen in an ostensibly healthy population. A literature search was performed for the gene, cDNA change, and amino acid change (where applicable). No publications were found based on this search. Allele frequency data from public databases allowed determination this variant is unlikely to cause disease. Therefore, this variant is classified as likely benign.

Breakthrough Genomics
Classification: Likely benign. Review status: criteria provided, single submitter. Criteria: ACMG Guidelines, 2015. Collection method: not provided. Allele origin: germline. Inheritance: Autosomal dominant inheritance. Affected: yes.

NM_031935.3(HMCN1):c.7818C>T (p.Thr2606=)

Gene: HMCN1 (hemicentin 1; plus strand). Cytogenetic location: 1q31.1.
Variant type: single nucleotide variant.
Coding change: c.7818C>T on transcript NM_031935.3 (MANE Select); coding-DNA position 7818, C replaced by T.
Protein change: p.Thr2606=; no amino-acid change (threonine 2606 retained).
Molecular consequence: synonymous variant.
Genome position (GRCh38, 1-based): chr1:186,067,946, C>T. VCF-style: chr1-186067946-C-T. GRCh37 (hg19) VCF-style: chr1-186037078-C-T.
Identifiers: ClinVar variation 294191 (VCV000294191.17), dbSNP rs138332626, ClinGen allele CA1292943.